The following is an entry in ClinVar:

ClinVar aggregate classification (germline): Uncertain significance (1 of 4 stars; one submission).

Conditions:
Charcot-Marie-Tooth disease axonal type 2F (CMT2F). Also called: Charcot-Marie-Tooth Neuropathy Type 2F; CHARCOT-MARIE-TOOTH DISEASE, NEURONAL, TYPE 2F. Identifiers: Orphanet 99940, MedGen C1847823, MONDO:0011687, OMIM 606595.

Allele frequency attached by ClinVar (database versions not stated): gnomAD exomes below 0.00001.

Submission:

Labcorp Genetics (formerly Invitae), Labcorp
Classification: Uncertain significance for Charcot-Marie-Tooth disease axonal type 2F. Last evaluated: 2022-02-04. Review status: criteria provided, single submitter. Criteria: Invitae Variant Classification Sherloc (09022015). Collection method: clinical testing. Allele origin: germline.
Comment: In summary, the available evidence is currently insufficient to determine the role of this variant in disease. Therefore, it has been classified as a Variant of Uncertain Significance. Advanced modeling of protein sequence and biophysical properties (such as structural, functional, and spatial information, amino acid conservation, physicochemical variation, residue mobility, and thermodynamic stability) performed at Invitae indicates that this missense variant is expected to disrupt HSPB1 protein function. ClinVar contains an entry for this variant (Variation ID: 660120). This variant has not been reported in the literature in individuals affected with HSPB1-related conditions. This variant is not present in population databases (gnomAD no frequency). This sequence change replaces tyrosine, which is neutral and polar, with cysteine, which is neutral and slightly polar, at codon 133 of the HSPB1 protein (p.Tyr133Cys).

NM_001540.5(HSPB1):c.398A>G (p.Tyr133Cys)

Gene: HSPB1 (heat shock protein family B (small) member 1; plus strand). Cytogenetic location: 7q11.23.
Variant type: single nucleotide variant.
Coding change: c.398A>G on transcript NM_001540.5 (MANE Select); coding-DNA position 398, A replaced by G.
Protein change: p.Tyr133Cys; replaces tyrosine 133 with cysteine.
Molecular consequence: missense variant.
Genome position (GRCh38, 1-based): chr7:76,303,835, A>G. VCF-style: chr7-76303835-A-G. GRCh37 (hg19) VCF-style: chr7-75933152-A-G.
Other names: c.398A>G (LRG_248t1); short protein forms Y133C.
Identifiers: ClinVar variation 660120 (VCV000660120.8), dbSNP rs1583966042, ClinGen allele CA367765439.